The following is an entry in ClinVar:

ClinVar aggregate classification (germline): Pathogenic. Review status: reviewed by expert panel (3 of 4 stars). 12 submissions from 12 submitters: Pathogenic (1). 11 of the submissions do not count toward it. Last evaluated 2026-01-15.

Conditions:
Severe combined immunodeficiency, autosomal recessive, T cell-negative, B cell-negative, NK cell-positive. Also called: Severe combined immunodeficiency due to complete RAG1/2 deficiency; SCID, T CELL-NEGATIVE, B CELL-NEGATIVE, NK CELL-POSITIVE; SCID, AR, T-cell negative, B-cell negative, NK cell-positive. Identifiers: Orphanet 331206, MedGen C1832322, MONDO:0011086, OMIM 601457.
Combined immunodeficiency with skin granulomas. Identifiers: Orphanet 157949, MedGen C2673536, MONDO:0009306, OMIM 233650.
RAG1-related disorder. Also called: RAG1-related disorders; RAG1-related condition.
Recombinase activating gene 1 deficiency. Identifiers: MedGen CN375631, MONDO:0000572.
Combined immunodeficiency due to partial RAG1 deficiency. Identifiers: Orphanet 231154, MedGen C1835931, MONDO:0012359, OMIM 609889.
Histiocytic medullary reticulosis. Also called: Omenn syndrome; SEVERE COMBINED IMMUNODEFICIENCY WITH HYPEREOSINOPHILIA. Identifiers: Orphanet 39041, MedGen C2700553, MONDO:0011338, OMIM 603554.
Severe combined immunodeficiency disease. Also called: Severe Combined Immune Deficiency; Severe combined immunodeficiency. Identifiers: Orphanet 183660, MedGen C0085110, MeSH D016511, MONDO:0015974, HP:0004430. Inheritance: X-Linked or Autosomal recessive.

Allele frequency attached by ClinVar (database versions not stated): TOPMed 0.00001; ESP Exome Variant Server 0.00008; gnomAD 0.00004 and 0.00003.
gnomAD v4.1: 17 of 1,614,022 alleles (0.0011%); highest among the groups gnomAD compares: South Asian, 0.0033%; no homozygotes.

Submissions (12):

ClinGen Severe Combined Immunodeficiency Variant Curation Expert Panel, ClinGen
Classification: Pathogenic for Recombinase activating gene 1 deficiency. Last evaluated: 2026-01-15. Review status: reviewed by expert panel. Criteria: ClinGen SCID ACMG Specifications RAG1 V2.1.0. Collection method: curation. Allele origin: germline. Inheritance: Autosomal recessive inheritance.
Comment: NM_000448.3(RAG1): c.322C>T creates a premature translational stop signal (p.Arg108Ter) in the RAG1 gene. This variant is not predicted to trigger nonsense mediated decay, It is expected to disrupt the final 936 amino acids of the RAG1 protein, a region critical for its function (PVS1). The Grpmax Filtering allele frequency of this variant is 0.00000875 in gnomAD v4.1.0, which is lower than the ClinGen SCID-VCEP threshold (< 0.000102) for PM2, therefore, PM2_supporting is met. This variant was in a homozygous state in a SCID patient with expansion of γδ T lymphocytes, where T cell and B cells counts are normal (PMID:34290284, 0.5 pt). PM3_supporting is met. An in vitro V(D)J recombination activity assay showed that the variant retains 1.8 +/- 0.3 % of wild type activity, supporting a damaging effect on the protein (PS3_Moderate, Data from Dr. Notarangelo lab). In summary, this variant meets the criteria to be classified as a Pathogenic variant for autosomal recessive severe combined immunodeficiency due to RAG1 deficiency based on the ACMG/AMP criteria applied, as specified by the ClinGen SCID VCEP: PVS1, PM2_supporting, PM3_supporting, and PS3_moderate (VCEP specifications version 2.1.0).

Labcorp Genetics (formerly Invitae), Labcorp
Classification: Pathogenic for Combined immunodeficiency with skin granulomas; Severe combined immunodeficiency, autosomal recessive, T cell-negative, B cell-negative, NK cell-positive. Last evaluated: 2025-03-06. Review status: criteria provided, single submitter. Criteria: Invitae Variant Classification Sherloc (09022015). Collection method: clinical testing. Allele origin: germline. Not counted in ClinVar's aggregate classification.
Comment: This sequence change creates a premature translational stop signal (p.Arg108*) in the RAG1 gene. While this is not anticipated to result in nonsense mediated decay, it is expected to disrupt the last 936 amino acid(s) of the RAG1 protein. This variant is present in population databases (rs193922464, gnomAD 0.02%). This premature translational stop signal has been observed in individual(s) with severe combined immunodeficiency (PMID: 21664875, 24290284, 30290665). ClinVar contains an entry for this variant (Variation ID: 36714). Algorithms developed to predict the effect of variants on gene product structure and function are not available or were not evaluated for this variant. Experimental studies have shown that this premature translational stop signal affects RAG1 function (PMID: 24290284). This variant disrupts a region of the RAG1 protein in which other variant(s) (p.Trp959*) have been determined to be pathogenic (PMID: 11133745, 24290284, 24406074). This suggests that this is a clinically significant region of the protein, and that variants that disrupt it are likely to be disease-causing. For these reasons, this variant has been classified as Pathogenic.

GeneDx
Classification: Pathogenic. Last evaluated: 2024-10-06. Review status: criteria provided, single submitter. Criteria: GeneDx Variant Classification Process June 2021. Collection method: clinical testing. Allele origin: germline. Affected: yes. Not counted in ClinVar's aggregate classification.
Comment: Published functional studies demonstrate a damaging effect: reduced VDJ recombination activity (PMID: 24290284); Nonsense variant predicted to result in protein truncation, as the last 936 amino acids are lost, and other loss-of-function variants have been reported; This variant is associated with the following publications: (PMID: 21664875, 24290284, 28783691, 31589898, 31589614, 32888943, 35753512, 36790564, 36279417, 27825771, 30290665)

Baylor Genetics
Classification: Pathogenic for Combined immunodeficiency due to partial RAG1 deficiency. Last evaluated: 2024-02-10. Review status: criteria provided, single submitter. Criteria: ACMG Guidelines, 2015. Collection method: clinical testing. Allele origin: unknown. Not counted in ClinVar's aggregate classification.

Blueprint Genetics
Classification: Pathogenic for RAG1-related disorders. Last evaluated: 2021-03-30. Review status: criteria provided, single submitter. Criteria: ACMG Guidelines, 2015. Collection method: clinical testing. Allele origin: germline. Affected: yes. Observed: 1 variant allele. Not counted in ClinVar's aggregate classification.

Illumina Laboratory Services, Illumina
Classification: Pathogenic for RAG1-Related Disorders. Last evaluated: 2018-12-03. Review status: criteria provided, single submitter. Criteria: ICSL Variant Classification Criteria 09 May 2019. Collection method: clinical testing. Allele origin: germline. Not counted in ClinVar's aggregate classification.
Comment: The RAG1 c.322C>T (p.Arg108Ter) variant is a stop-gained variant that is predicted to result in a premature termination of the protein. The p.Arg108Ter variant has been reported in at least three studies in which it is found in a total of four individuals including in one in a homozygous state and three in a compound heterozygous state (Lee et al. 2014; Bai et al. 2016; Sharapova et al. 2016; Chi et al. 2018). Two of these individuals were described as having combined immune deficiency with one specifically diagnosed with Omenn syndrome. Control data are not available for the p.Arg108Ter variant which is reported at a frequency of 0.000159 in the East Asian population of the Genome Aggregation Database. Functional studies in cultured cells by Lee et al. (2014) demonstrated that the variant results in significantly reduced enzyme activity compared to wild type. Based on the potential impact of stop-gained variants and the supporting evidence from the literature, the p.Arg108Ter variant is classified as pathogenic for RAG1-related disorders. This variant was observed by ICSL as part of a predisposition screen in an ostensibly healthy population.

Eurofins Ntd Llc (ga)
Classification: Pathogenic. Last evaluated: 2016-01-13. Review status: criteria provided, single submitter. Criteria: EGL Classification Definitions 2015. Collection method: clinical testing. Allele origin: germline. Observed: 1 variant allele, 1 heterozygote. Not counted in ClinVar's aggregate classification.

Women's Health and Genetics/Laboratory Corporation of America, LabCorp
Classification: Likely pathogenic for SCID. Last evaluated: 2011-08-18. Review status: criteria provided, single submitter. Criteria: LabCorp Variant Classification Summary - May 2015. Collection method: curation, clinical testing. Allele origin: germline. Inheritance: autosomal unknown. Affected: yes. Not counted in ClinVar's aggregate classification.
ClinVar note: Converted during submission from likely pathogenic to Likely pathogenic.

Juno Genomics, Hangzhou Juno Genomics, Inc
Classification: Pathogenic for Combined immunodeficiency due to partial RAG1 deficiency; Combined immunodeficiency with skin granulomas; Histiocytic medullary reticulosis; Severe combined immunodeficiency, autosomal recessive, T cell-negative, B cell-negative, NK cell-positive. Review status: criteria provided, single submitter. Criteria: ACMG Guidelines, 2015. Collection method: clinical testing. Allele origin: germline. Not counted in ClinVar's aggregate classification.
Comment: Absent from controls (or at extremely low frequency if recessive) in Genome Aggregation Database.;Null variant in a gene where loss of function (LOF) is a known mechanism of disease.;For recessive disorders, detected in trans with a pathogenic variant.;Patient's phenotype or family history is highly specific for a disease with a single genetic etiology.

Clinical Genetics DNA and cytogenetics Diagnostics Lab, Erasmus MC, Erasmus Medical Center
Classification: Pathogenic. Review status: no assertion criteria provided. Collection method: clinical testing. Allele origin: germline. Affected: yes. Study: VKGL Data-share Consensus. Not counted in ClinVar's aggregate classification.

Diagnostic Laboratory, Department of Genetics, University Medical Center Groningen
Classification: Pathogenic. Review status: no assertion criteria provided. Collection method: clinical testing. Allele origin: germline. Affected: yes. Study: VKGL Data-share Consensus. Not counted in ClinVar's aggregate classification.

Genome Diagnostics Laboratory, Amsterdam University Medical Center
Classification: Pathogenic. Review status: no assertion criteria provided. Collection method: clinical testing. Allele origin: germline. Affected: yes. Study: VKGL Data-share Consensus. Not counted in ClinVar's aggregate classification.

Literature cited by the submitters: PubMed 21664875 (cited by Labcorp Genetics (formerly Invitae), Labcorp and Eurofins Ntd Llc (ga)); PubMed 24290284 (cited by 3 submitters); PubMed 30290665 (cited by Labcorp Genetics (formerly Invitae), Labcorp and Illumina Laboratory Services, Illumina); PubMed 11133745 (cited by Labcorp Genetics (formerly Invitae), Labcorp); PubMed 24406074 (cited by Labcorp Genetics (formerly Invitae), Labcorp); PubMed 26596586 (cited by Illumina Laboratory Services, Illumina); PubMed 26476733 (cited by Illumina Laboratory Services, Illumina).

NM_000448.3(RAG1):c.322C>T (p.Arg108Ter)

Gene: RAG1 (recombination activating 1; plus strand). Cytogenetic location: 11p12.
Variant type: single nucleotide variant.
Coding change: c.322C>T on transcript NM_000448.3 (MANE Select); coding-DNA position 322, C replaced by T.
Protein change: p.Arg108Ter; replaces arginine 108 with a stop codon.
Molecular consequence: nonsense.
Genome position (GRCh38, 1-based): chr11:36,573,626, C>T. VCF-style: chr11-36573626-C-T. GRCh37 (hg19) VCF-style: chr11-36595176-C-T.
Other names: NM_000448.3(RAG1):c.322C>T; p.Arg108Ter; c.322C>T, p.Arg108Ter (NM_001377277.1, NM_001377278.1, NM_001377279.1 and 1 more transcripts); short protein forms R108*.
Identifiers: ClinVar variation 36714 (VCV000036714.27), dbSNP rs193922464, ClinGen allele CA214203.
Genomic context (GRCh38, chr11:36,573,626, plus strand): 5'-TCAAAGAAATTTCACGACAACGAGAAAGCAAGAGGCAAAGCGATCCATCAAGCCAACCTT[C>T]GACATCTCTGCCGCATCTGTGGGAATTCTTTTAGAGCTGATGAGCACAACAGGAGATATC-3'